The following is an entry in ClinVar:

NM_000202.8(IDS):c.1265G>A (p.Cys422Tyr)

Gene: IDS (iduronate 2-sulfatase; minus strand). Cytogenetic location: Xq28.
Variant type: single nucleotide variant.
Coding change: c.1265G>A on transcript NM_000202.8 (MANE Select); coding-DNA position 1265, G replaced by A.
Protein change: p.Cys422Tyr; replaces cysteine 422 with tyrosine.
Molecular consequence: missense variant.
Genome position (GRCh38, 1-based): chrX:149,483,134, C>T on the plus strand (G>A on the coding strand, the complement: IDS is on the minus strand). VCF-style: chrX-149483134-C-T. GRCh37 (hg19) VCF-style: chrX-148564665-C-T.
Other names: c.995G>A, p.Cys332Tyr (NM_001166550.4); short protein forms C422Y, C332Y.
Identifiers: ClinVar variation 284860 (VCV000284860.16), dbSNP rs886044835, ClinGen allele CA10604925.

ClinVar aggregate classification (germline): Pathogenic/Likely pathogenic. Review status: criteria provided, multiple submitters, no conflicts (2 of 4 stars). 4 submissions from 4 submitters: Pathogenic (2); Likely pathogenic (2). Last evaluated 2024-06-07.

Conditions:
Mucopolysaccharidosis, MPS-II (MPS2). Also called: Attenuated MPS (subtype; formerly known as mild MPS II); Severe MPS II; I2S deficiency; MPS 2; Hunter Syndrome; IDURONATE 2-SULFATASE DEFICIENCY. Identifiers: Orphanet 580, Orphanet 79388, MedGen C0026705, MONDO:0010674, OMIM 309900.

Submissions (4):

Laboratory of Diagnosis and Therapy of Lysosomal Disorders, University of Padova
Classification: Pathogenic for Mucopolysaccharidosis, MPS-II. Last evaluated: 2024-06-07. Review status: criteria provided, single submitter. Criteria: ACMG Guidelines, 2015. Collection method: literature only. Allele origin: germline. Affected: yes. Observed: 7 variant alleles.
Comment: In vitro or in vivo functional studies supportive of a damaging effect (PS3_Moderate), Prevalence of the variant significantly increased in affected individuals compared with controls (PS4_Supporting), Located in a mutational hot spot and/or critical functional domain (PM1_Moderate), Absent from controls (or at low frequency) in gnomAD database (PM2_Moderate), Missense variant in a gene with a low rate of benign missense variation (PP2_Supporting), Multiple lines of computational evidence support a deleterious effect (PP3_Supporting), Patient’s phenotype or family history highly specific for the disease (PP4_Strong)

Classification method: ACMG Guidelines [PMID:25741868] with modifications

Genome-Nilou Lab
Classification: Likely pathogenic for Mucopolysaccharidosis, MPS-II. Last evaluated: 2021-09-05. Review status: criteria provided, single submitter. Criteria: ACMG Guidelines, 2015. Collection method: clinical testing. Allele origin: germline. Affected: no.

Labcorp Genetics (formerly Invitae), Labcorp
Classification: Pathogenic for Mucopolysaccharidosis, MPS-II. Last evaluated: 2018-08-17. Review status: criteria provided, single submitter. Criteria: Invitae Variant Classification Sherloc (09022015). Collection method: clinical testing. Allele origin: germline.
Comment: Variants that disrupt the p.Cys422 amino acid residue in IDS have been observed in affected individuals (PMID: 26762690, 27246110, 24125893, 11683780, 1303211, 28077157). This suggests that it is a clinically significant residue, and that other variants that disrupt this residue are likely to be causative of disease. For these reasons, this variant has been classified as Pathogenic. Algorithms developed to predict the effect of missense changes on protein structure and function are either unavailable or do not agree on the potential impact of this missense change (SIFT: "Deleterious"; PolyPhen-2: "Probably Damaging"; Align-GVGD: "Class C0"). This variant has been observed in individuals affected with mucopolysaccharidosis II (PMID: 26762690, 27246110, 24125893). ClinVar contains an entry for this variant (Variation ID: 284860). This variant is not present in population databases (ExAC no frequency). This sequence change replaces cysteine with tyrosine at codon 422 of the IDS protein (p.Cys422Tyr). The cysteine residue is highly conserved and there is a large physicochemical difference between cysteine and tyrosine.

Eurofins Ntd Llc (ga)
Classification: Likely pathogenic. Last evaluated: 2015-11-10. Review status: criteria provided, single submitter. Criteria: EGL Classification Definitions 2015. Collection method: clinical testing. Allele origin: germline. Observed: 1 variant allele, 1 hemizygote.

Literature cited by the submitters: PubMed 26762690 (cited by Laboratory of Diagnosis and Therapy of Lysosomal Disorders, University of Padova and Labcorp Genetics (formerly Invitae), Labcorp); PubMed 24125893 (cited by Laboratory of Diagnosis and Therapy of Lysosomal Disorders, University of Padova and Labcorp Genetics (formerly Invitae), Labcorp); PubMed 9452044 (cited by Laboratory of Diagnosis and Therapy of Lysosomal Disorders, University of Padova); PubMed 33960103 (cited by Laboratory of Diagnosis and Therapy of Lysosomal Disorders, University of Padova); PubMed 27246110 (cited by Laboratory of Diagnosis and Therapy of Lysosomal Disorders, University of Padova and Labcorp Genetics (formerly Invitae), Labcorp); PubMed 28543354 (cited by Laboratory of Diagnosis and Therapy of Lysosomal Disorders, University of Padova); PubMed 11683780 (cited by Labcorp Genetics (formerly Invitae), Labcorp); PubMed 1303211 (cited by Labcorp Genetics (formerly Invitae), Labcorp); PubMed 28077157 (cited by Labcorp Genetics (formerly Invitae), Labcorp).